The following is an entry in ClinVar:

NM_000059.4(BRCA2):c.1208dup (p.Asn404fs)

Gene: BRCA2 (BRCA2 DNA repair associated; plus strand). Cytogenetic location: 13q13.1.
Variant type: Duplication.
Coding change: c.1208dup on transcript NM_000059.4 (MANE Select); coding-DNA position 1208, one base duplicated (T; older notation c.1208dupT).
Protein change: p.Asn404fs; shifts the reading frame from asparagine 404.
Molecular consequence: frameshift variant.
Genome position (GRCh38, 1-based): chr13:32,332,686, T duplicated. VCF-style (leftmost placement, unchanged base first): chr13-32332685-C-CT. GRCh37 (hg19) VCF-style: chr13-32906822-C-CT.
Other names: c.1208dupT (NM_000059.3); short protein forms N404fs.
Identifiers: ClinVar variation 1356600 (VCV001356600.8), dbSNP rs2137468789, ClinGen allele CA2573149351.

ClinVar aggregate classification (germline): Pathogenic/Likely pathogenic. Review status: criteria provided, multiple submitters, no conflicts (2 of 4 stars). 3 submissions from 3 submitters: Pathogenic (2); Likely pathogenic (1). Last evaluated 2026-07-20.

Conditions:
Hereditary cancer-predisposing syndrome. Also called: Hereditary Cancer Syndrome; Neoplastic Syndromes, Hereditary; Hereditary neoplastic syndrome; Tumor predisposition. Identifiers: Orphanet 140162, MedGen C0027672, MeSH D009386, MONDO:0015356.
Hereditary breast ovarian cancer syndrome. Also called: Breast and ovarian cancer; Hereditary breast and ovarian cancer syndrome; Hereditary breast and ovarian cancer syndrome (HBOC); Hereditary breast and ovarian cancer; Hereditary breast and/or ovarian cancer syndrome; BRCA1- and BRCA2-Associated Hereditary Breast and Ovarian Cancer. Identifiers: Orphanet 145, MedGen C0677776, MeSH D061325, MONDO:0003582. Disease mechanism: loss of function.

Submissions (3):

Ambry Genetics
Classification: Pathogenic for Hereditary cancer-predisposing syndrome. Last evaluated: 2026-07-20. Review status: criteria provided, single submitter. Criteria: Ambry Variant Classification Scheme 2023. Collection method: clinical testing. Allele origin: germline.
Comment: The c.1208dupT variant, located in coding exon 9 of the BRCA2 gene, results from a duplication of T at nucleotide position 1208, causing a translational frameshift with a predicted alternate stop codon (p.N404Kfs*17). This variant is considered to be rare based on population cohorts in the Genome Aggregation Database (gnomAD). This alteration is expected to result in loss of function by premature protein truncation or nonsense-mediated mRNA decay. As such, this alteration is interpreted as a disease-causing mutation.

Quest Diagnostics Nichols Institute San Juan Capistrano
Classification: Likely pathogenic. Last evaluated: 2021-07-09. Review status: criteria provided, single submitter. Criteria: Quest Diagnostics criteria. Collection method: clinical testing. Allele origin: unknown.
Comment: This frameshift variant alters the translational reading frame of the BRCA2 mRNA and is predicted to cause the premature termination of BRCA2 protein synthesis. To the best of our knowledge, the variant has not been reported in the published literature. Based on the available information, this variant is classified as likely pathogenic.

Labcorp Genetics (formerly Invitae), Labcorp
Classification: Pathogenic for Hereditary breast ovarian cancer syndrome. Last evaluated: 2021-02-24. Review status: criteria provided, single submitter. Criteria: Invitae Variant Classification Sherloc (09022015). Collection method: clinical testing. Allele origin: germline.
Comment: This variant has not been reported in the literature in individuals with BRCA2-related conditions. For these reasons, this variant has been classified as Pathogenic. This variant is not present in population databases (ExAC no frequency). This sequence change creates a premature translational stop signal (p.Asn404Lysfs*17) in the BRCA2 gene. It is expected to result in an absent or disrupted protein product. Loss-of-function variants in BRCA2 are known to be pathogenic (PMID: 20104584).

Literature cited by the submitters: PubMed 20104584 (cited by Labcorp Genetics (formerly Invitae), Labcorp).